The following is an entry in ClinVar:

ClinVar aggregate classification (germline): Conflicting classifications of pathogenicity. Review status: criteria provided, conflicting classifications (1 of 4 stars). 2 submissions from 2 submitters: Uncertain significance (1); Likely benign (1). Last evaluated 2021-10-18.

Allele frequency attached by ClinVar (database versions not stated): ExAC 0.00006; gnomAD 0.00005; gnomAD exomes 0.00009; TOPMed 0.00006.
gnomAD v4.1: 55 of 1,608,748 alleles (0.0034%); highest among the groups gnomAD compares: Admixed American, 0.027%; no homozygotes.

Submissions (2):

Labcorp Genetics (formerly Invitae), Labcorp
Classification: Uncertain significance. Last evaluated: 2021-10-18. Review status: criteria provided, single submitter. Criteria: Invitae Variant Classification Sherloc (09022015). Collection method: clinical testing. Allele origin: germline.
Comment: This sequence change replaces glycine with arginine at codon 7 of the ASPM protein (p.Gly7Arg). The glycine residue is weakly conserved and there is a moderate physicochemical difference between glycine and arginine. This variant is present in population databases (rs776662758, ExAC 0.06%). This variant has not been reported in the literature in individuals affected with ASPM-related conditions. ClinVar contains an entry for this variant (Variation ID: 388101). Algorithms developed to predict the effect of missense changes on protein structure and function are either unavailable or do not agree on the potential impact of this missense change (SIFT: "Deleterious"; PolyPhen-2: "Benign"; Align-GVGD: "Class C0"). In summary, the available evidence is currently insufficient to determine the role of this variant in disease. Therefore, it has been classified as a Variant of Uncertain Significance.

GeneDx
Classification: Likely benign. Last evaluated: 2016-08-08. Review status: criteria provided, single submitter. Criteria: GeneDx Variant Classification (06012015). Collection method: clinical testing. Allele origin: germline. Affected: yes.
Comment: This variant is considered likely benign or benign based on one or more of the following criteria: it is a conservative change, it occurs at a poorly conserved position in the protein, it is predicted to be benign by multiple in silico algorithms, and/or has population frequency not consistent with disease.

NM_018136.5(ASPM):c.19G>C (p.Gly7Arg)

Gene: ASPM (assembly factor for spindle microtubules; minus strand). Cytogenetic location: 1q31.3.
Variant type: single nucleotide variant.
Coding change: c.19G>C on transcript NM_018136.5 (MANE Select); coding-DNA position 19, G replaced by C.
Protein change: p.Gly7Arg; replaces glycine 7 with arginine.
Molecular consequence: missense variant.
Genome position (GRCh38, 1-based): chr1:197,146,419, C>G on the plus strand (G>C on the coding strand, the complement: ASPM is on the minus strand). VCF-style: chr1-197146419-C-G. GRCh37 (hg19) VCF-style: chr1-197115549-C-G.
Other names: c.19G>C, p.Gly7Arg (NM_001206846.2); short protein forms G7R.
Identifiers: ClinVar variation 388101 (VCV000388101.4), dbSNP rs776662758, ClinGen allele CA1310990.